The following is an entry in ClinVar:

NM_000548.5(TSC2):c.5409C>A (p.Phe1803Leu)

Gene: TSC2 (TSC complex subunit 2; plus strand). Cytogenetic location: 16p13.3.
Variant type: single nucleotide variant.
Coding change: c.5409C>A on transcript NM_000548.5 (MANE Select); coding-DNA position 5409, C replaced by A.
Protein change: p.Phe1803Leu; replaces phenylalanine 1803 with leucine.
Molecular consequence: missense variant. On other transcripts: non-coding transcript variant (5).
Genome position (GRCh38, 1-based): chr16:2,088,595, C>A. VCF-style: chr16-2088595-C-A. GRCh37 (hg19) VCF-style: chr16-2138596-C-A.
Other names: c.5208C>A, p.Phe1736Leu (NM_001077183.3); c.5340C>A, p.Phe1780Leu (NM_001114382.3); c.5100C>A, p.Phe1700Leu (NM_001318827.2); c.5064C>A, p.Phe1688Leu (NM_001318829.2); c.4677C>A, p.Phe1559Leu (NM_001318831.2); c.5241C>A, p.Phe1747Leu (NM_001318832.2); c.5211C>A, p.Phe1737Leu (NM_001363528.2); c.5277C>A, p.Phe1759Leu (NM_001370404.1); and 27 more; short protein forms F1202L, F1580L, F1747L, F1756L, F1760L, F1766L, F1288L, F1289L.
Identifiers: ClinVar variation 4192108 (VCV004192108.1).

ClinVar aggregate classification (germline): Uncertain significance (1 of 4 stars; one submission).

Conditions:
Hereditary cancer-predisposing syndrome. Also called: Neoplastic Syndromes, Hereditary; Tumor predisposition; Hereditary Cancer Syndrome; Hereditary neoplastic syndrome. Identifiers: Orphanet 140162, MedGen C0027672, MeSH D009386, MONDO:0015356.

Submission:

Ambry Genetics
Classification: Uncertain significance for Hereditary cancer-predisposing syndrome. Last evaluated: 2025-07-03. Review status: criteria provided, single submitter. Criteria: Ambry Variant Classification Scheme 2023. Collection method: clinical testing. Allele origin: germline.
Comment: The p.F1803L variant (also known as c.5409C>A), located in coding exon 41 of the TSC2 gene, results from a C to A substitution at nucleotide position 5409. The phenylalanine at codon 1803 is replaced by leucine, an amino acid with highly similar properties. This amino acid position is conserved. In addition, this alteration is predicted to be deleterious by in silico analysis. Based on the available evidence, the clinical significance of this variant remains unclear.